The following is an entry in ClinVar:

ClinVar aggregate classification (germline): Uncertain significance (1 of 4 stars; one submission).

Conditions:
Hereditary cancer-predisposing syndrome. Also called: Neoplastic Syndromes, Hereditary; Tumor predisposition; Hereditary neoplastic syndrome; Hereditary Cancer Syndrome. Identifiers: Orphanet 140162, MedGen C0027672, MeSH D009386, MONDO:0015356.

Submission:

Ambry Genetics
Classification: Uncertain significance for Hereditary cancer-predisposing syndrome. Last evaluated: 2026-07-07. Review status: criteria provided, single submitter. Criteria: Ambry Variant Classification Scheme 2023. Collection method: clinical testing. Allele origin: germline.
Comment: The p.P139H variant (also known as c.416C>A), located in coding exon 4 of the BMPR1A gene, results from a C to A substitution at nucleotide position 416. The proline at codon 139 is replaced by histidine, an amino acid with similar properties. This amino acid position is conserved. In addition, the in silico prediction for this alteration is inconclusive. Based on the available evidence, the clinical significance of this variant remains unclear.

NM_004329.3(BMPR1A):c.416C>A (p.Pro139His)

Gene: BMPR1A (bone morphogenetic protein receptor type 1A; plus strand). Cytogenetic location: 10q23.2.
Variant type: single nucleotide variant.
Coding change: c.416C>A on transcript NM_004329.3 (MANE Select); coding-DNA position 416, C replaced by A.
Protein change: p.Pro139His; replaces proline 139 with histidine.
Molecular consequence: missense variant. On other transcripts: non-coding transcript variant (3), intron variant (1).
Genome position (GRCh38, 1-based): chr10:86,899,876, C>A. VCF-style: chr10-86899876-C-A. GRCh37 (hg19) VCF-style: chr10-88659633-C-A.
Other names: c.416C>A, p.Pro139His (NM_001406562.1, NM_001406563.1, NM_001406564.1 and 22 more transcripts); c.332C>A, p.Pro111His (NM_001406584.1, NM_001406585.1, NM_001406586.1 and 2 more transcripts); c.333+7647C>A (NM_001406589.1); short protein forms P111H, P139H.
Identifiers: ClinVar variation 5032995 (VCV005032995.1).